The following is an entry in ClinVar:

NM_001130987.2(DYSF):c.1356_1357delinsTC (p.Glu453Gln)

Gene: DYSF (dysferlin; plus strand). Cytogenetic location: 2p13.2.
Variant type: Indel.
Coding change: c.1356_1357delinsTC on transcript NM_001130987.2 (MANE Select); coding-DNA positions 1356 to 1357, GG replaced by TC.
Protein change: p.Glu453Gln; replaces glutamic acid 453 with glutamine.
Molecular consequence: missense variant.
Genome position (GRCh38, 1-based): chr2:71,528,377-71,528,378, GG replaced by TC. VCF-style: chr2-71528377-GG-TC. GRCh37 (hg19) VCF-style: chr2-71755507-GG-TC.
Other names: c.1263_1264delinsTC, p.Glu422Gln (NM_001130455.2, NM_001130983.2, NM_001130984.2 and 1 more transcripts); c.1260_1261delinsTC, p.Glu421Gln (NM_001130976.2, NM_001130977.2, NM_001130978.2 and 1 more transcripts); c.1353_1354delinsTC, p.Glu452Gln (NM_001130979.2, NM_001130980.2, NM_001130981.2); c.1356_1357delinsTC, p.Glu453Gln (NM_001130982.2, NM_001130985.2); short protein forms E422Q, E452Q, E421Q, E453Q.
Identifiers: ClinVar variation 1494467 (VCV001494467.5), dbSNP rs2152751320, ClinGen allele CA2573135858.

ClinVar aggregate classification (germline): Uncertain significance. Review status: criteria provided, multiple submitters, no conflicts (2 of 4 stars). 2 submissions from 2 submitters: Uncertain significance (2). Last evaluated 2024-06-11.

Conditions:
Neuromuscular disease caused by qualitative or quantitative defects of dysferlin. Also called: Dysferlinopathy; Qualitative or quantitative defects of dysferlin. Identifiers: Orphanet 207073, MedGen C2931687, MONDO:0016145.

Submissions (2):

Revvity Omics, Revvity
Classification: Uncertain significance. Last evaluated: 2024-06-11. Review status: criteria provided, single submitter. Criteria: ACMG Guidelines, 2015. Collection method: clinical testing. Allele origin: germline.

Labcorp Genetics (formerly Invitae), Labcorp
Classification: Uncertain significance for Neuromuscular disease caused by qualitative or quantitative defects of dysferlin. Last evaluated: 2021-11-27. Review status: criteria provided, single submitter. Criteria: Invitae Variant Classification Sherloc (09022015). Collection method: clinical testing. Allele origin: germline.
Comment: In summary, the available evidence is currently insufficient to determine the role of this variant in disease. Therefore, it has been classified as a Variant of Uncertain Significance. Experimental studies and prediction algorithms are not available or were not evaluated, and the functional significance of this variant is currently unknown. This variant has not been reported in the literature in individuals affected with DYSF-related conditions. Information on the frequency of this variant in the gnomAD database is not available, as this variant may be reported differently in the database. This sequence change replaces glutamic acid, which is acidic and polar, with glutamine, which is neutral and polar, at codon 421 of the DYSF protein (p.Glu421Gln).